The following is an entry in ClinVar:

ClinVar aggregate classification (germline): Uncertain significance (1 of 4 stars; one submission).

Conditions:
Gamma-aminobutyric acid transaminase deficiency (GABATD). Also called: GABA transaminase deficiency; Gamma aminobutyrate transaminase deficiency; 4 alpha aminobutyrate transaminase deficiency; GABA aminotransaminase deficiency. Identifiers: Orphanet 2066, MedGen C0342708, MONDO:0013166, OMIM 613163.

Allele frequency attached by ClinVar (database versions not stated): TOPMed below 0.00001; gnomAD 0.00001.
gnomAD v4.1: 1 of 1,614,098 alleles (0.000062%); highest among the groups gnomAD compares: Admixed American, 0.0017%; no homozygotes.

Submission:

Labcorp Genetics (formerly Invitae), Labcorp
Classification: Uncertain significance for Gamma-aminobutyric acid transaminase deficiency. Last evaluated: 2022-03-11. Review status: criteria provided, single submitter. Criteria: Invitae Variant Classification Sherloc (09022015). Collection method: clinical testing. Allele origin: germline.
Comment: In summary, the available evidence is currently insufficient to determine the role of this variant in disease. Therefore, it has been classified as a Variant of Uncertain Significance. Algorithms developed to predict the effect of missense changes on protein structure and function (SIFT, PolyPhen-2, Align-GVGD) all suggest that this variant is likely to be tolerated. This variant has not been reported in the literature in individuals affected with ABAT-related conditions. This variant is not present in population databases (gnomAD no frequency). This sequence change replaces aspartic acid, which is acidic and polar, with asparagine, which is neutral and polar, at codon 347 of the ABAT protein (p.Asp347Asn).

NM_020686.6(ABAT):c.1039G>A (p.Asp347Asn)

Gene: ABAT (4-aminobutyrate aminotransferase; plus strand). Cytogenetic location: 16p13.2.
Variant type: single nucleotide variant.
Coding change: c.1039G>A on transcript NM_020686.6 (MANE Select); coding-DNA position 1039, G replaced by A.
Protein change: p.Asp347Asn; replaces aspartic acid 347 with asparagine.
Molecular consequence: missense variant.
Genome position (GRCh38, 1-based): chr16:8,774,974, G>A. VCF-style: chr16-8774974-G-A. GRCh37 (hg19) VCF-style: chr16-8868831-G-A.
Other names: c.1039G>A, p.Asp347Asn (NM_000663.5, NM_001127448.2, NM_001386600.1 and 6 more transcripts); c.1000G>A, p.Asp334Asn (NM_001386605.1); c.976G>A, p.Asp326Asn (NM_001386606.1, NM_001386607.1); c.946G>A, p.Asp316Asn (NM_001386608.1); c.904G>A, p.Asp302Asn (NM_001386610.1, NM_001386611.1); c.841G>A, p.Asp281Asn (NM_001386612.1, NM_001386613.1); c.793G>A, p.Asp265Asn (NM_001386614.1); c.1135G>A, p.Asp379Asn (NM_001386615.1); short protein forms D265N, D302N, D281N, D316N, D326N, D334N, D379N, D347N.
Identifiers: ClinVar variation 2109176 (VCV002109176.4), dbSNP rs2060223754, ClinGen allele CA394689921.